The following is an entry in ClinVar:

NM_006904.7(PRKDC):c.2651T>C (p.Val884Ala)

Gene: PRKDC (protein kinase, DNA-activated, catalytic subunit; minus strand). Cytogenetic location: 8q11.21.
Variant type: single nucleotide variant.
Coding change: c.2651T>C on transcript NM_006904.7 (MANE Select); coding-DNA position 2651, T replaced by C.
Protein change: p.Val884Ala; replaces valine 884 with alanine.
Molecular consequence: missense variant.
Genome position (GRCh38, 1-based): chr8:47,914,031, A>G on the plus strand (T>C on the coding strand, the complement: PRKDC is on the minus strand). VCF-style: chr8-47914031-A-G. GRCh37 (hg19) VCF-style: chr8-48826591-A-G.
Other names: c.2651T>C, p.Val884Ala (NM_001081640.2); short protein forms V884A.
Identifiers: ClinVar variation 3310122 (VCV003310122.1).

ClinVar aggregate classification (germline): Uncertain significance (1 of 4 stars; one submission).

Submission:

Ambry Genetics
Classification: Uncertain significance. Last evaluated: 2024-04-19. Review status: criteria provided, single submitter. Criteria: Ambry Variant Classification Scheme 2023. Collection method: clinical testing. Allele origin: germline.
Comment: The p.V884A variant (also known as c.2651T>C), located in coding exon 24 of the PRKDC gene, results from a T to C substitution at nucleotide position 2651. The valine at codon 884 is replaced by alanine, an amino acid with similar properties. This amino acid position is conserved. In addition, this alteration is predicted to be tolerated by in silico analysis. Based on the available evidence, the clinical significance of this variant remains unclear.